The following is an entry in ClinVar:

NM_001540.5(HSPB1):c.36G>T (p.Arg12=)

Gene: HSPB1 (heat shock protein family B (small) member 1; plus strand). Cytogenetic location: 7q11.23.
Variant type: single nucleotide variant.
Coding change: c.36G>T on transcript NM_001540.5 (MANE Select); coding-DNA position 36, G replaced by T.
Protein change: p.Arg12=; no amino-acid change (arginine 12 retained).
Molecular consequence: synonymous variant.
Genome position (GRCh38, 1-based): chr7:76,302,748, G>T. VCF-style: chr7-76302748-G-T. GRCh37 (hg19) VCF-style: chr7-75932065-G-T.
Other names: p.Arg12=; c.36G>T (LRG_248t1).
Identifiers: ClinVar variation 377969 (VCV000377969.21), dbSNP rs145369859, ClinGen allele CA4306239.

ClinVar aggregate classification (germline): Benign/Likely benign. Review status: criteria provided, multiple submitters, no conflicts (2 of 4 stars). 9 submissions from 8 submitters: Benign (6); Likely benign (3). Last evaluated 2026-01-05.

Conditions:
Neuronopathy, distal hereditary motor, type 2B. Also called: NEURONOPATHY, DISTAL HEREDITARY MOTOR, HARDING TYPE IIB; NEUROPATHY, DISTAL HEREDITARY MOTOR, HARDING TYPE IIB; HMN IIB; NEURONOPATHY, DISTAL HEREDITARY MOTOR, AUTOSOMAL DOMINANT 3. Identifiers: Orphanet 139525, MedGen C2608087, MONDO:0012080, OMIM 608634.
Charcot-Marie-Tooth disease axonal type 2F (CMT2F). Also called: Charcot-Marie-Tooth Neuropathy Type 2F; CHARCOT-MARIE-TOOTH DISEASE, NEURONAL, TYPE 2F. Identifiers: Orphanet 99940, MedGen C1847823, MONDO:0011687, OMIM 606595.
Inborn genetic diseases. Identifiers: MedGen C0950123, MeSH D030342.
HSPB1-related disorder. Also called: HSPB1-related condition; HSPB1-related disorders.

Allele frequency attached by ClinVar (database versions not stated): gnomAD exomes 0.00045 and 0.00103; ExAC 0.00125; 1000 Genomes Project 0.00399; 1000 Genomes Project 30x 0.00422; gnomAD 0.00447 and 0.00486; ESP Exome Variant Server 0.00467; TOPMed 0.00526.

Submissions (9):

Labcorp Genetics (formerly Invitae), Labcorp
Classification: Benign for Charcot-Marie-Tooth disease axonal type 2F. Last evaluated: 2026-01-05. Review status: criteria provided, single submitter. Criteria: Invitae Variant Classification Sherloc (09022015). Collection method: clinical testing. Allele origin: germline.

PreventionGenetics, part of Exact Sciences
Classification: Benign for HSPB1-related condition. Last evaluated: 2025-03-27. Review status: criteria provided, single submitter. Criteria: ACMG Guidelines, 2015. Collection method: clinical testing. Allele origin: germline.
Comment: This variant is classified as benign based on ACMG/AMP sequence variant interpretation guidelines (Richards et al. 2015 PMID: 25741868, with internal and published modifications).

GeneDx
Classification: Likely benign. Last evaluated: 2020-04-07. Review status: criteria provided, single submitter. Criteria: GeneDx Variant Classification Process June 2021. Collection method: clinical testing. Allele origin: germline. Affected: yes.

Ambry Genetics
Classification: Likely benign for Inborn genetic diseases. Last evaluated: 2019-07-11. Review status: criteria provided, single submitter. Criteria: Ambry Variant Classification Scheme 2023. Collection method: clinical testing. Allele origin: germline.

Illumina Laboratory Services, Illumina
Classification: Benign for Charcot-Marie-Tooth disease axonal type 2F. Last evaluated: 2018-01-13. Review status: criteria provided, single submitter. Criteria: ICSL Variant Classification Criteria 13 December 2019. Collection method: clinical testing. Allele origin: germline.
Comment: This variant was observed in the ICSL laboratory as part of a predisposition screen in an ostensibly healthy population. It had not been previously curated by ICSL or reported in the Human Gene Mutation Database (HGMD: prior to June 1st, 2018), and was therefore a candidate for classification through an automated scoring system. Utilizing variant allele frequency, disease prevalence and penetrance estimates, and inheritance mode, an automated score was calculated to assess if this variant is too frequent to cause the disease. Based on the score and internal cut-off values, a variant classified as benign is not then subjected to further curation. The score for this variant resulted in a classification of benign for this disease.

Illumina Laboratory Services, Illumina
Classification: Benign for Neuronopathy, distal hereditary motor, type 2B. Last evaluated: 2018-01-13. Review status: criteria provided, single submitter. Criteria: ICSL Variant Classification Criteria 13 December 2019. Collection method: clinical testing. Allele origin: germline.
Comment: the same text as in the submission from Illumina Laboratory Services, Illumina above.

Athena Diagnostics
Classification: Benign. Last evaluated: 2016-12-15. Review status: criteria provided, single submitter. Criteria: Athena Diagnostics Criteria. Collection method: clinical testing. Allele origin: germline.

Mayo Clinic Laboratories, Mayo Clinic
Classification: Benign. Last evaluated: 2016-10-10. Review status: criteria provided, single submitter. Criteria: ACMG Guidelines, 2015. Collection method: clinical testing. Allele origin: germline. Observed: 7 variant alleles.

Breakthrough Genomics
Classification: Likely benign. Review status: criteria provided, single submitter. Criteria: ACMG Guidelines, 2015. Collection method: not provided. Allele origin: germline. Inheritance: Autosomal dominant inheritance. Affected: yes.